The following is an entry in ClinVar:

NM_001127898.4(CLCN5):c.1257C>T (p.Thr419=)

Gene: CLCN5 (Cl-/H+ antiporter 5; plus strand). Cytogenetic location: Xp11.23.
Variant type: single nucleotide variant.
Coding change: c.1257C>T on transcript NM_001127898.4 (MANE Select); coding-DNA position 1257, C replaced by T.
Protein change: p.Thr419=; no amino-acid change (threonine 419 retained).
Molecular consequence: synonymous variant.
Genome position (GRCh38, 1-based): chrX:50,086,570, C>T. VCF-style: chrX-50086570-C-T. GRCh37 (hg19) VCF-style: chrX-49851227-C-T.
Other names: c.1047C>T, p.Thr349= (NM_000084.5); c.1257C>T, p.Thr419= (NM_001127899.4); c.1107C>T, p.Thr369= (NM_001282163.2).
Identifiers: ClinVar variation 499902 (VCV000499902.16), dbSNP rs144901347, ClinGen allele CA10413855.

ClinVar aggregate classification (germline): Benign/Likely benign. Review status: criteria provided, multiple submitters, no conflicts (2 of 4 stars). 5 submissions from 5 submitters: Benign (3); Likely benign (2). Last evaluated 2025-12-28.

Conditions:
CLCN5-related disorder. Also called: CLCN5-related condition.
Proteinuria, low molecular weight, with hypercalciuria and nephrocalcinosis. Identifiers: Orphanet 1652, Orphanet 93622, MedGen C1839874, MONDO:0010644, OMIM 308990.
X-linked recessive nephrolithiasis with renal failure (XRN). Also called: UROLITHIASIS, X-LINKED RECESSIVE, TYPE 1; NEPHROLITHIASIS 1; NEPHROLITHIASIS, X-LINKED RECESSIVE, TYPE 1. Identifiers: Orphanet 1652, Orphanet 93622, MedGen C0403720, MONDO:0010687, OMIM 310468.
Hypophosphatemic rickets, X-linked recessive (XLHRR). Identifiers: Orphanet 1652, Orphanet 93622, MedGen C1845168, MONDO:0010358, OMIM 300554.
Dent disease type 1 (DENT1). Also called: NEPHROLITHIASIS 2; NEPHROLITHIASIS, HYPERCALCIURIC, X-LINKED. Identifiers: Orphanet 1652, Orphanet 93622, MedGen C1848336, MONDO:0010225, OMIM 300009.

Allele frequency attached by ClinVar (database versions not stated): gnomAD exomes 0.00031 and 0.00085; ExAC 0.00097; 1000 Genomes Project 0.00291; 1000 Genomes Project 30x 0.00291; gnomAD 0.00300 and 0.00327; ESP Exome Variant Server 0.00331; TOPMed 0.00337.
gnomAD v4.1: 682 of 1,208,665 alleles (0.056%); highest among the groups gnomAD compares: African/African-American, 1.1%; 4 homozygotes.

Submissions (5):

Labcorp Genetics (formerly Invitae), Labcorp
Classification: Benign. Last evaluated: 2025-12-28. Review status: criteria provided, single submitter. Criteria: Invitae Variant Classification Sherloc (09022015). Collection method: clinical testing. Allele origin: germline.

PreventionGenetics, part of Exact Sciences
Classification: Benign for CLCN5-related condition. Last evaluated: 2025-05-07. Review status: criteria provided, single submitter. Criteria: ACMG Guidelines, 2015. Collection method: clinical testing. Allele origin: germline.
Comment: This variant is classified as benign based on ACMG/AMP sequence variant interpretation guidelines (Richards et al. 2015 PMID: 25741868, with internal and published modifications).

Blueprint Genetics
Classification: Likely benign. Last evaluated: 2024-09-23. Review status: criteria provided, single submitter. Criteria: ACMG Guidelines, 2015. Collection method: clinical testing. Allele origin: germline.

Fulgent Genetics
Classification: Likely benign for Dent disease type 1; Hypophosphatemic rickets, X-linked recessive; Proteinuria, low molecular weight, with hypercalciuria and nephrocalcinosis; X-linked recessive nephrolithiasis with renal failure. Last evaluated: 2021-08-16. Review status: criteria provided, single submitter. Criteria: ACMG Guidelines, 2015. Collection method: clinical testing. Allele origin: unknown.

Eurofins Ntd Llc (ga)
Classification: Benign. Last evaluated: 2017-01-26. Review status: criteria provided, single submitter. Criteria: EGL Classification Definitions 2015. Collection method: clinical testing. Allele origin: germline. Observed: 1 variant allele, 1 heterozygote.